The following is an entry in ClinVar:

ClinVar aggregate classification (germline): Likely pathogenic (1 of 4 stars; one submission).

Submission:

GeneDx
Classification: Likely pathogenic. Last evaluated: 2017-01-25. Review status: criteria provided, single submitter. Criteria: GeneDx Variant Classification (06012015). Collection method: clinical testing. Allele origin: germline. Affected: yes.
Comment: The Y20X variant in the FBN1 gene has not been reported as a pathogenic or benign to our knowledge. This variant is predicted to cause loss of normal protein function either by protein truncation or nonsense-mediated mRNA decay. Multiple other downstream nonsense variants in the FBN1 gene have been reported in Human Gene Mutation Database in association with Marfan syndrome (Stenson et al., 2014). Furthermore, the Y20X variant is not observed in large population cohorts (Lek et al., 2016; 1000 Genomes Consortium et al., 2015; Exome Variant Server).

NM_000138.5(FBN1):c.60C>A (p.Tyr20Ter)

Genes: FBN1 (fibrillin 1; minus strand), LOC130057019 (ATAC-STARR-seq lymphoblastoid silent region 6417; plus strand). Cytogenetic location: 15q21.1.
Variant type: single nucleotide variant.
Coding change: c.60C>A on transcript NM_000138.5 (MANE Select); coding-DNA position 60, C replaced by A.
Protein change: p.Tyr20Ter; replaces tyrosine 20 with a stop codon.
Molecular consequence: nonsense.
Genome position (GRCh38, 1-based): chr15:48,644,710, G>T on the plus strand (C>A on the coding strand, the complement: FBN1 is on the minus strand). VCF-style: chr15-48644710-G-T. GRCh37 (hg19) VCF-style: chr15-48936907-G-T.
Other names: short protein forms Y20*.
Identifiers: ClinVar variation 392998 (VCV000392998.2), dbSNP rs1057524735, ClinGen allele CA16607819.